The following is an entry in ClinVar:

ClinVar aggregate classification (germline): Uncertain significance. Review status: criteria provided, multiple submitters, no conflicts (2 of 4 stars). 4 submissions from 4 submitters: Uncertain significance (4). Last evaluated 2024-07-17.

Conditions:
Mitochondrial complex I deficiency, nuclear type 6. Also called: Mitochondrial complex 1 deficiency, nuclear type 6. Identifiers: MedGen C4748759, MONDO:0032611, OMIM 618228.

Allele frequency attached by ClinVar (database versions not stated): ESP Exome Variant Server 0.00023; TOPMed 0.00029.
gnomAD v4.1: 78 of 1,612,400 alleles (0.0048%); highest among the groups gnomAD compares: African/African-American, 0.083%; no homozygotes.

Submissions (4):

GeneDx
Classification: Uncertain significance. Last evaluated: 2024-07-17. Review status: criteria provided, single submitter. Criteria: GeneDx Variant Classification Process June 2021. Collection method: clinical testing. Allele origin: germline. Affected: yes.
Comment: In silico analysis supports a deleterious effect on splicing; Has not been previously published as pathogenic or benign to our knowledge

Baylor Genetics
Classification: Uncertain significance for Mitochondrial complex I deficiency, nuclear type 6. Last evaluated: 2024-01-10. Review status: criteria provided, single submitter. Criteria: ACMG Guidelines, 2015. Collection method: clinical testing. Allele origin: unknown.

Labcorp Genetics (formerly Invitae), Labcorp
Classification: Uncertain significance. Last evaluated: 2023-04-24. Review status: criteria provided, single submitter. Criteria: Invitae Variant Classification Sherloc (09022015). Collection method: clinical testing. Allele origin: germline.
Comment: In summary, the available evidence is currently insufficient to determine the role of this variant in disease. Therefore, it has been classified as a Variant of Uncertain Significance. Variants that disrupt the consensus splice site are a relatively common cause of aberrant splicing (PMID: 17576681, 9536098). Algorithms developed to predict the effect of sequence changes on RNA splicing suggest that this variant may create or strengthen a splice site. ClinVar contains an entry for this variant (Variation ID: 214800). This variant has not been reported in the literature in individuals affected with NDUFS2-related conditions. This variant is present in population databases (rs375651203, gnomAD 0.1%). This sequence change falls in intron 4 of the NDUFS2 gene. It does not directly change the encoded amino acid sequence of the NDUFS2 protein. It affects a nucleotide within the consensus splice site.

Genome-Nilou Lab
Classification: Uncertain significance for Mitochondrial complex I deficiency, nuclear type 6. Last evaluated: 2023-04-11. Review status: criteria provided, single submitter. Criteria: ACMG Guidelines, 2015. Collection method: clinical testing. Allele origin: germline. Affected: no.

Literature cited by the submitters: PubMed 17576681 (cited by Labcorp Genetics (formerly Invitae), Labcorp); PubMed 9536098 (cited by Labcorp Genetics (formerly Invitae), Labcorp).

NM_001377299.1(NDUFS2):c.393+5G>A

Gene: NDUFS2 (NADH:ubiquinone oxidoreductase core subunit S2; plus strand). Cytogenetic location: 1q23.3.
Variant type: single nucleotide variant.
Coding change: c.393+5G>A on transcript NM_001377299.1 (MANE Select); 5 bases into the intron after coding-DNA position 393, G replaced by A.
Molecular consequence: intron variant.
Genome position (GRCh38, 1-based): chr1:161,206,602, G>A. VCF-style: chr1-161206602-G-A. GRCh37 (hg19) VCF-style: chr1-161176392-G-A.
Other names: c.393+5G>A (NM_001377300.1, NM_001377298.1, NM_001377301.1 and 3 more transcripts).
Identifiers: ClinVar variation 214800 (VCV000214800.8), dbSNP rs375651203, ClinGen allele CA322496.